The following is an entry in ClinVar:

NM_018834.6(MATR3):c.196C>A (p.Gln66Lys)

Gene: MATR3 (matrin 3; plus strand). Cytogenetic location: 5q31.2.
Variant type: single nucleotide variant.
Coding change: c.196C>A on transcript NM_018834.6 (MANE Select); coding-DNA position 196, C replaced by A.
Protein change: p.Gln66Lys; replaces glutamine 66 with lysine.
Molecular consequence: missense variant. On other transcripts: intron variant (11).
Genome position (GRCh38, 1-based): chr5:139,307,611, C>A. VCF-style: chr5-139307611-C-A. GRCh37 (hg19) VCF-style: chr5-138643300-C-A.
Other names: c.196C>A, p.Gln66Lys (NM_001194954.2, NM_001194955.2, NM_001400441.1 and 16 more transcripts); c.52-7064C>A (NM_001400459.1); c.-102-7064C>A (NM_001400463.1, NM_001400460.1, NM_001282278.2 and 3 more transcripts); c.-40-8086C>A (NM_001400462.1, NM_001400467.1); c.13-7064C>A (NM_001400461.1); c.49-7064C>A (NM_001194956.2); short protein forms Q66K.
Identifiers: ClinVar variation 2734791 (VCV002734791.3), dbSNP rs2546755458, ClinGen allele CA361486725.

ClinVar aggregate classification (germline): Uncertain significance (1 of 4 stars; one submission).

Conditions:
Amyotrophic lateral sclerosis type 21. Also called: VOCAL CORD AND PHARYNGEAL DYSFUNCTION WITH DISTAL MYOPATHY; MYOPATHY, DISTAL, 2. Identifiers: Orphanet 600, Orphanet 803, MedGen C3807521, MONDO:0011632, OMIM 606070.

Submission:

Labcorp Genetics (formerly Invitae), Labcorp
Classification: Uncertain significance for Amyotrophic lateral sclerosis type 21. Last evaluated: 2023-08-07. Review status: criteria provided, single submitter. Criteria: Invitae Variant Classification Sherloc (09022015). Collection method: clinical testing. Allele origin: germline.
Comment: This variant is not present in population databases (gnomAD no frequency). This sequence change replaces glutamine, which is neutral and polar, with lysine, which is basic and polar, at codon 66 of the MATR3 protein (p.Gln66Lys). This missense change has been observed in individuals with amyotrophic lateral sclerosis (PMID: 28029397; Invitae). Advanced modeling of protein sequence and biophysical properties (such as structural, functional, and spatial information, amino acid conservation, physicochemical variation, residue mobility, and thermodynamic stability) performed at Invitae indicates that this missense variant is not expected to disrupt MATR3 protein function. Experimental studies are conflicting or provide insufficient evidence to determine the effect of this variant on MATR3 function (PMID: 30015619). In summary, the available evidence is currently insufficient to determine the role of this variant in disease. Therefore, it has been classified as a Variant of Uncertain Significance.

Literature cited by the submitters: PubMed 28029397; PubMed 30015619.